The following is an entry in ClinVar:

NM_003660.4(PPFIA3):c.577C>G (p.Gln193Glu)

Gene: PPFIA3 (PPFI scaffold protein A3; plus strand). Cytogenetic location: 19q13.33.
Variant type: single nucleotide variant.
Coding change: c.577C>G on transcript NM_003660.4 (MANE Select); coding-DNA position 577, C replaced by G.
Protein change: p.Gln193Glu; replaces glutamine 193 with glutamic acid.
Molecular consequence: missense variant. On other transcripts: non-coding transcript variant (1).
Genome position (GRCh38, 1-based): chr19:49,129,449, C>G. VCF-style: chr19-49129449-C-G. GRCh37 (hg19) VCF-style: chr19-49632706-C-G.
Other names: short protein forms Q193E.
Identifiers: ClinVar variation 4086297 (VCV004086297.1).
Genomic context (GRCh38, chr19:49,129,449, plus strand): 5'-CGGCTGCGGATGGCGCTGGAGCGCGTGGCAGTGCTCGAGGAGGAGCTGGAACTGAGCAAT[C>G]AGGAGGTGTGGGTGTGGCCAAGACAGGGAATTTGAATCCAAGGGGAGGGGCTAAGGGGCT-3'
Protein context (NP_003651.1, residues 183-203): VLEEELELSN[Gln193Glu]ETLNLREQLS

ClinVar aggregate classification (germline): Uncertain significance (1 of 4 stars; one submission).

Submission:

GeneDx
Classification: Uncertain significance. Last evaluated: 2025-03-18. Review status: criteria provided, single submitter. Criteria: GeneDx Variant Classification Process June 2021. Collection method: clinical testing. Allele origin: germline. Affected: yes.
Comment: Not observed at significant frequency in large population cohorts (gnomAD); In silico analysis indicates that this missense variant does not alter protein structure/function; Has not been previously published as pathogenic or benign to our knowledge